The following is an entry in ClinVar:

NM_001018115.3(FANCD2):c.2238C>T (p.Asn746=)

Genes: FANCD2 (FA complementation group D2; plus strand), LOC107303338 (3p25 FANCD2 Alu-mediated recombination region; plus strand). Cytogenetic location: 3p25.3.
Variant type: single nucleotide variant.
Coding change: c.2238C>T on transcript NM_001018115.3 (MANE Select); coding-DNA position 2238, C replaced by T.
Protein change: p.Asn746=; no amino-acid change (asparagine 746 retained).
Molecular consequence: synonymous variant.
Genome position (GRCh38, 1-based): chr3:10,065,463, C>T. VCF-style: chr3-10065463-C-T. GRCh37 (hg19) VCF-style: chr3-10107147-C-T.
Other names: c.2238C>T, p.Asn746= (NM_001319984.2, NM_001374254.1, NM_033084.6); c.2127C>T, p.Asn709= (NM_001374253.1); c.2238C>T (NM_001018115.2).
Identifiers: ClinVar variation 1584976 (VCV001584976.9), dbSNP rs35817402, ClinGen allele CA2250010.
Genomic context (GRCh38, chr3:10,065,463, plus strand): 5'-TCCGCTGTGCCTGGCTCCGTATTTCCGGTTACTGAGACTTTGTGTGGAGAGACAGCATAA[C>T]GGAAACTTGGAGGAGATTGATGGTCTACTAGGTATGGGATGAAGTCATCAGATCCTTTCT-3'
Protein context (NP_001018125.1, residues 736-756): LLRLCVERQH[Asn746=]GNLEEIDGLL

ClinVar aggregate classification (germline): Likely benign. Review status: criteria provided, single submitter (1 of 4 stars). 2 submissions from 2 submitters: Likely benign (1). 1 of the submissions does not count toward it. Last evaluated 2025-11-24.

Conditions:
FANCD2-related disorder. Also called: FANCD2-related condition.
Fanconi anemia (FA). Also called: Fanconi's anemia. Identifiers: Orphanet 84, MedGen C0015625, MeSH D005199, MONDO:0019391.

Allele frequency attached by ClinVar (database versions not stated): TOPMed 0.00002; gnomAD 0.00003 and 0.00006; gnomAD exomes 0.00003; ExAC 0.00004; 1000 Genomes Project 0.00060; 1000 Genomes Project 30x 0.00062.
gnomAD v4.1: 43 of 1,613,374 alleles (0.0027%); highest among the groups gnomAD compares: South Asian, 0.015%; no homozygotes.

Submissions (2):

Labcorp Genetics (formerly Invitae), Labcorp
Classification: Likely benign for Fanconi anemia. Last evaluated: 2025-11-24. Review status: criteria provided, single submitter. Criteria: Invitae Variant Classification Sherloc (09022015). Collection method: clinical testing. Allele origin: germline.

PreventionGenetics, part of Exact Sciences
Classification: Likely benign for FANCD2-related condition. Last evaluated: 2024-04-23. Review status: no assertion criteria provided. Collection method: clinical testing. Allele origin: germline. Not counted in ClinVar's aggregate classification.
Comment: This variant is classified as likely benign based on ACMG/AMP sequence variant interpretation guidelines (Richards et al. 2015 PMID: 25741868, with internal and published modifications).